The following is an entry in ClinVar:

NM_000051.4(ATM):c.2638+9A>C

Gene: ATM (ATM serine/threonine kinase; plus strand). Cytogenetic location: 11q22.3.
Variant type: single nucleotide variant.
Coding change: c.2638+9A>C on transcript NM_000051.4 (MANE Select); 9 bases into the intron after coding-DNA position 2638, A replaced by C.
Molecular consequence: intron variant.
Genome position (GRCh38, 1-based): chr11:108,267,351, A>C. VCF-style: chr11-108267351-A-C. GRCh37 (hg19) VCF-style: chr11-108138078-A-C.
Other names: c.2638+9A>C (NM_001351834.2).
Identifiers: ClinVar variation 627949 (VCV000627949.11), dbSNP rs761592414, ClinGen allele CA913187661.

ClinVar aggregate classification (germline): Likely benign. Review status: criteria provided, multiple submitters, no conflicts (2 of 4 stars). 3 submissions from 3 submitters: Likely benign (3). Last evaluated 2024-05-09.

Conditions:
Hereditary cancer-predisposing syndrome. Also called: Tumor predisposition; Neoplastic Syndromes, Hereditary; Hereditary Cancer Syndrome; Hereditary neoplastic syndrome. Identifiers: Orphanet 140162, MedGen C0027672, MeSH D009386, MONDO:0015356.
Familial cancer of breast. Also called: BREAST CANCER, FAMILIAL; Hereditary breast cancer; hereditary breast carcinoma. Identifiers: Orphanet 227535, MedGen C0346153, MONDO:0016419, OMIM 114480. Disease mechanism: loss of function.
Ataxia-telangiectasia syndrome (AT). Also called: ATAXIA-TELANGIECTASIA, COMPLEMENTATION GROUP A; ATAXIA-TELANGIECTASIA, FRESNO VARIANT; LOUIS-BAR SYNDROME; Ataxia telangiectasia (A-T); Cerebello-oculocutaneous telangiectasia; Immunodeficiency with ataxia telangiectasia. Identifiers: Orphanet 100, MedGen C0004135, MONDO:0008840, OMIM 208900.

gnomAD v4.1: 1 of 1,612,678 alleles (0.000062%); highest among the groups gnomAD compares: Non-Finnish European, 0.000085%; no homozygotes.

Submissions (3):

Myriad Genetics, Inc.
Classification: Likely benign for Familial cancer of breast. Last evaluated: 2024-05-09. Review status: criteria provided, single submitter. Criteria: Myriad Autosomal Dominant, Autosomal Recessive and X-Linked Classification Criteria (2023). Collection method: clinical testing. Allele origin: unknown.
Comment: This variant is considered likely benign. This variant is intronic and is not expected to impact mRNA splicing.

Labcorp Genetics (formerly Invitae), Labcorp
Classification: Likely benign for Ataxia-telangiectasia syndrome. Last evaluated: 2023-09-08. Review status: criteria provided, single submitter. Criteria: Invitae Variant Classification Sherloc (09022015). Collection method: clinical testing. Allele origin: germline.

Color Diagnostics, LLC DBA Color Health
Classification: Likely benign for Hereditary cancer-predisposing syndrome. Last evaluated: 2018-03-22. Review status: criteria provided, single submitter. Criteria: ACMG Guidelines, 2015. Collection method: clinical testing. Allele origin: germline.